The following is an entry in ClinVar:

ClinVar aggregate classification (germline): Benign (1 of 4 stars; one submission).

Allele frequency attached by ClinVar (database versions not stated): 1000 Genomes Project 0.03774; 1000 Genomes Project 30x 0.03919; gnomAD 0.04132 and 0.04182; TOPMed 0.04521.
gnomAD v4.1: 6,377 of 152,194 alleles (4.2%); highest among the groups gnomAD compares: Middle Eastern, 9.2%; 175 homozygotes.

Submission:

GeneDx
Classification: Benign. Last evaluated: 2018-06-19. Review status: criteria provided, single submitter. Criteria: GeneDx Variant Classification (06012015). Collection method: clinical testing. Allele origin: germline. Affected: yes.
Comment: This variant is considered likely benign or benign based on one or more of the following criteria: it is a conservative change, it occurs at a poorly conserved position in the protein, it is predicted to be benign by multiple in silico algorithms, and/or has population frequency not consistent with disease.

NM_001347721.2(DYRK1A):c.300+157G>A

Gene: DYRK1A (dual specificity tyrosine phosphorylation regulated kinase 1A; plus strand). Cytogenetic location: 21q22.13.
Variant type: single nucleotide variant.
Coding change: c.300+157G>A on transcript NM_001347721.2 (MANE Select); 157 bases into the intron after coding-DNA position 300, G replaced by A.
Molecular consequence: intron variant.
Genome position (GRCh38, 1-based): chr21:37,478,457, G>A. VCF-style: chr21-37478457-G-A. GRCh37 (hg19) VCF-style: chr21-38850759-G-A.
Other names: c.327+157G>A (NM_001396.5, NM_101395.2, NM_130438.2); c.300+157G>A (NM_001347722.2, NM_130436.2); c.213+157G>A (NM_001347723.2).
Identifiers: ClinVar variation 674490 (VCV000674490.1), dbSNP rs10211972, ClinGen allele CA320475830.
Genomic context (GRCh38, chr21:37,478,457, plus strand): 5'-TAGTTGTCATATTGATGATTATTATGAAGACTAATGATTTAGAAATAATATTACAATTAT[G>A]TAAAAGATATATTAACAAGGACTGCAGAGTATAAAGATAATTGTGGATAACTTGATTTTT-3'